The following is an entry in ClinVar:

ClinVar aggregate classification (germline): Conflicting classifications of pathogenicity. Review status: criteria provided, conflicting classifications (1 of 4 stars). 3 submissions from 3 submitters: Likely pathogenic (2); Uncertain significance (1). Last evaluated 2024-06-05.

Conditions:
Transient bullous dermolysis of the newborn (TBDN). Also called: EPIDERMOLYSIS BULLOSA DYSTROPHICA, NEONATAL FORM; DYSTROPHIC EPIDERMOLYSIS BULLOSA, NEONATAL. Identifiers: Orphanet 79411, MedGen C1851573, MONDO:0007548, OMIM 131705.
Recessive dystrophic epidermolysis bullosa (RDEB). Also called: Recessive DEB (RDEB); DYSTROPHIC EPIDERMOLYSIS BULLOSA, AUTOSOMAL RECESSIVE; EPIDERMOLYSIS BULLOSA DYSTROPHICA, HALLOPEAU-SIEMENS TYPE; Epidermolysis Bullosa Distrophica Autosomal Recessive (RDEB); Hallopeau-Siemens Disease; severe generalized recessive dystrophic epidermolysis bullosa. Identifiers: Orphanet 79408, Orphanet 79409, MedGen C0079474, MONDO:0009179, OMIM 226600.
Nonsyndromic congenital nail disorder 8. Also called: TOENAIL DYSTROPHY, ISOLATED. Identifiers: MedGen C1843761, MONDO:0011852, OMIM 607523.
Epidermolysis bullosa pruriginosa. Also called: DEB, PRURIGINOSA; DYSTROPHIC EPIDERMOLYSIS BULLOSA PRURIGINOSA. Identifiers: Orphanet 89843, MedGen C1275114, MONDO:0011398, OMIM 604129.
Pretibial dystrophic epidermolysis bullosa. Also called: EPIDERMOLYSIS BULLOSA DYSTROPHICA, PRETIBIAL; Pretibial epidermolysis bullosa; Pretibial blistering. Identifiers: Orphanet 79410, MedGen C0432321, MONDO:0007552, OMIM 131850, HP:0012221.
Dominant dystrophic epidermolysis bullosa with absence of skin. Also called: EPIDERMOLYSIS BULLOSA DYSTROPHICA, BART TYPE; EPIDERMOLYSIS BULLOSA WITH CONGENITAL LOCALIZED ABSENCE OF SKIN AND DEFORMITY OF NAILS. Identifiers: MedGen C0268371, MONDO:0007557, OMIM 132000.
Generalized dominant dystrophic epidermolysis bullosa (DDEB). Also called: Dominant DEB (DDEB); DDEB, generalized; DDEB-gen; DYSTROPHIC EPIDERMOLYSIS BULLOSA, AUTOSOMAL DOMINANT; Epidermolysis bullosa dystrophica, autosomal dominant. Identifiers: Orphanet 231568, MedGen C0432322, MONDO:0007549, OMIM 131750.
Epidermolysis bullosa dystrophica. Also called: Dystrophic epidermolysis bullosa, Hallopeau-Siemens type (formerly); Dystrophic epidermolysis bullosa. Identifiers: Orphanet 303, MedGen C0079294, MONDO:0006543.

gnomAD v4.1: 9 of 1,614,030 alleles (0.00056%); highest among the groups gnomAD compares: Non-Finnish European, 0.00076%; no homozygotes.

Submissions (3):

Fulgent Genetics
Classification: Likely pathogenic for Transient bullous dermolysis of the newborn; Generalized dominant dystrophic epidermolysis bullosa; Pretibial dystrophic epidermolysis bullosa; Dominant dystrophic epidermolysis bullosa with absence of skin; Recessive dystrophic epidermolysis bullosa; Epidermolysis bullosa pruriginosa; Nonsyndromic congenital nail disorder 8. Last evaluated: 2024-06-05. Review status: criteria provided, single submitter. Criteria: ACMG Guidelines, 2015. Collection method: clinical testing. Allele origin: germline.

Women's Health and Genetics/Laboratory Corporation of America, LabCorp
Classification: Uncertain significance. Last evaluated: 2024-06-03. Review status: criteria provided, single submitter. Criteria: LabCorp Variant Classification Summary - May 2015. Collection method: clinical testing. Allele origin: germline.
Comment: Variant summary: COL7A1 c.6341G>A (p.Gly2114Asp) results in a non-conservative amino acid change located in the Collagen triple helix repeat region (IPR008160) of the encoded protein sequence. Five of five in-silico tools predict a damaging effect of the variant on protein function. The variant was absent in 251294 control chromosomes. The available data on variant occurrences in the general population are insufficient to allow any conclusion about variant significance. c.6341G>A has been reported in the literature in the presumed compound heterozygous state in at least 1 individual affected with Dystrophic Epidermolysis Bullosa, Recessive (example, Cuadrado-Corrales_2010). These data do not allow any conclusion about variant significance for COL7A1-related conditions. To our knowledge, no experimental evidence demonstrating an impact on protein function has been reported. The following publication has been ascertained in the context of this evaluation (PMID: 20920254). ClinVar contains an entry for this variant (Variation ID: 1047986). Based on the evidence outlined above, the variant was classified as uncertain significance.

Biomedical Innovation Departament, CIEMAT
Classification: Likely pathogenic for Dystrophic epidermolysis bullosa. Last evaluated: 2018-11-22. Review status: criteria provided, single submitter. Criteria: ACMG Guidelines, 2015. Collection method: research. Allele origin: germline. Inheritance: Autosomal recessive inheritance. Affected: yes. Observed: 1 variant allele.

Literature cited by the submitters: PubMed 20920254 (cited by Women's Health and Genetics/Laboratory Corporation of America, LabCorp).

NM_000094.4(COL7A1):c.6341G>A (p.Gly2114Asp)

Gene: COL7A1 (collagen type VII alpha 1 chain; minus strand). Cytogenetic location: 3p21.31.
Variant type: single nucleotide variant.
Coding change: c.6341G>A on transcript NM_000094.4 (MANE Select); coding-DNA position 6341, G replaced by A.
Protein change: p.Gly2114Asp; replaces glycine 2114 with aspartic acid.
Molecular consequence: missense variant.
Genome position (GRCh38, 1-based): chr3:48,574,804, C>T on the plus strand (G>A on the coding strand, the complement: COL7A1 is on the minus strand). VCF-style: chr3-48574804-C-T. GRCh37 (hg19) VCF-style: chr3-48612237-C-T.
Other names: short protein forms G2114D.
Identifiers: ClinVar variation 1047986 (VCV001047986.5), dbSNP rs2044175577, ClinGen allele CA352659592.